The following is an entry in ClinVar:

NM_152564.5(VPS13B):c.9193T>C (p.Phe3065Leu)

Gene: VPS13B (vacuolar protein sorting 13 homolog B; plus strand). Cytogenetic location: 8q22.2.
Variant type: single nucleotide variant.
Coding change: c.9193T>C on transcript NM_152564.5 (MANE Select); coding-DNA position 9193, T replaced by C.
Protein change: p.Phe3065Leu; replaces phenylalanine 3065 with leucine.
Molecular consequence: missense variant.
Genome position (GRCh38, 1-based): chr8:99,823,841, T>C. VCF-style: chr8-99823841-T-C. GRCh37 (hg19) VCF-style: chr8-100836069-T-C.
Other names: c.9268T>C, p.Phe3090Leu (NM_017890.5); short protein forms F3065L, F3090L.
Identifiers: ClinVar variation 1714551 (VCV001714551.5), dbSNP rs2492027448, ClinGen allele CA371779765.

ClinVar aggregate classification (germline): Uncertain significance (1 of 4 stars; one submission).

Conditions:
Cohen syndrome (COH1). Also called: PEPPER SYNDROME; Cutis verticis gyrata, retinitis pigmentosa, and sensorineural deafness. Identifiers: Orphanet 193, MedGen C0265223, MONDO:0008999, OMIM 216550.

Submission:

Labcorp Genetics (formerly Invitae), Labcorp
Classification: Uncertain significance for Cohen syndrome. Last evaluated: 2022-07-15. Review status: criteria provided, single submitter. Criteria: Invitae Variant Classification Sherloc (09022015). Collection method: clinical testing. Allele origin: germline.
Comment: This sequence change replaces phenylalanine, which is neutral and non-polar, with leucine, which is neutral and non-polar, at codon 3090 of the VPS13B protein (p.Phe3090Leu). In summary, the available evidence is currently insufficient to determine the role of this variant in disease. Therefore, it has been classified as a Variant of Uncertain Significance. Algorithms developed to predict the effect of missense changes on protein structure and function are either unavailable or do not agree on the potential impact of this missense change (SIFT: "Not Available"; PolyPhen-2: "Benign"; Align-GVGD: "Not Available"). This variant has not been reported in the literature in individuals affected with VPS13B-related conditions. This variant is not present in population databases (gnomAD no frequency).